The following is an entry in ClinVar:

NM_000535.7(PMS2):c.1896A>G (p.Leu632=)

Gene: PMS2 (PMS1 homolog 2, mismatch repair system component; minus strand). Cytogenetic location: 7p22.1.
Variant type: single nucleotide variant.
Coding change: c.1896A>G on transcript NM_000535.7 (MANE Select); coding-DNA position 1896, A replaced by G.
Protein change: p.Leu632=; no amino-acid change (leucine 632 retained).
Molecular consequence: synonymous variant. On other transcripts: non-coding transcript variant (1), intron variant (1).
Genome position (GRCh38, 1-based): chr7:5,986,869, T>C on the plus strand (A>G on the coding strand, the complement: PMS2 is on the minus strand). VCF-style: chr7-5986869-T-C. GRCh37 (hg19) VCF-style: chr7-6026500-T-C.
Other names: c.1578A>G, p.Leu526= (NM_001322008.2, NM_001406876.1, NM_001406883.1 and 2 more transcripts); c.1491A>G, p.Leu497= (NM_001322009.2, NM_001406887.1, NM_001406888.1 and 16 more transcripts); c.1335A>G, p.Leu445= (NM_001322010.2, NM_001406906.1, NM_001406907.1); c.963A>G, p.Leu321= (NM_001322011.2, NM_001322012.2); c.1323A>G, p.Leu441= (NM_001322013.2, NM_001406909.1); c.1896A>G, p.Leu632= (NM_001322014.2, NM_001406871.1, NM_001406872.1); c.1587A>G, p.Leu529= (NM_001322015.2, NM_001406875.1, NM_001406877.1 and 5 more transcripts); c.2082A>G, p.Leu694= (NM_001406866.1); and 13 more.
Identifiers: ClinVar variation 3308068 (VCV003308068.3).

ClinVar aggregate classification (germline): Benign/Likely benign. Review status: criteria provided, multiple submitters, no conflicts (2 of 4 stars). 3 submissions from 3 submitters: Benign (1); Likely benign (2). Last evaluated 2025-09-22.

Conditions:
Lynch syndrome 4 (LYNCH4). Also called: Colorectal cancer, hereditary nonpolyposis, type 4; Hereditary non-polyposis colorectal cancer, type 4. Identifiers: Orphanet 144, MedGen C1838333, MONDO:0013699, OMIM 614337. Disease mechanism: loss of function.
Hereditary cancer-predisposing syndrome. Also called: Tumor predisposition; Hereditary Cancer Syndrome; Hereditary neoplastic syndrome; Neoplastic Syndromes, Hereditary. Identifiers: Orphanet 140162, MedGen C0027672, MeSH D009386, MONDO:0015356.
Hereditary nonpolyposis colorectal neoplasms. Identifiers: MedGen C0009405, MeSH D003123.

gnomAD v4.1: 1 of 1,614,134 alleles (0.000062%); highest among the groups gnomAD compares: Non-Finnish European, 0.000085%; no homozygotes.

Submissions (3):

Labcorp Genetics (formerly Invitae), Labcorp
Classification: Likely benign for Hereditary nonpolyposis colorectal neoplasms. Last evaluated: 2025-09-22. Review status: criteria provided, single submitter. Criteria: Invitae Variant Classification Sherloc (09022015). Collection method: clinical testing. Allele origin: germline.

Myriad Genetics, Inc.
Classification: Benign for Lynch syndrome 4. Last evaluated: 2025-01-31. Review status: criteria provided, single submitter. Criteria: Myriad Autosomal Dominant, Autosomal Recessive and X-Linked Classification Criteria (2023). Collection method: clinical testing. Allele origin: unknown.
Comment: This variant is considered benign. This variant is a silent/synonymous amino acid change and it is not expected to impact splicing.

Ambry Genetics
Classification: Likely benign for Hereditary cancer-predisposing syndrome. Last evaluated: 2024-04-14. Review status: criteria provided, single submitter. Criteria: Ambry Variant Classification Scheme 2023. Collection method: clinical testing. Allele origin: germline.